The following is an entry in ClinVar:

ClinVar aggregate classification (germline): Uncertain significance (1 of 4 stars; one submission).

Submission:

Labcorp Genetics (formerly Invitae), Labcorp
Classification: Uncertain significance. Last evaluated: 2023-10-10. Review status: criteria provided, single submitter. Criteria: Invitae Variant Classification Sherloc (09022015). Collection method: clinical testing. Allele origin: germline.
Comment: This sequence change falls in intron 58 of the TRRAP gene. It does not directly change the encoded amino acid sequence of the TRRAP protein. This variant is not present in population databases (gnomAD no frequency). This variant has not been reported in the literature in individuals affected with TRRAP-related conditions. Algorithms developed to predict the effect of sequence changes on RNA splicing suggest that this variant may create or strengthen a splice site. In summary, the available evidence is currently insufficient to determine the role of this variant in disease. Therefore, it has been classified as a Variant of Uncertain Significance.

NM_001375524.1(TRRAP):c.9023-5T>G

Gene: TRRAP (transformation/transcription domain associated protein; plus strand). Cytogenetic location: 7q22.1.
Variant type: single nucleotide variant.
Coding change: c.9023-5T>G on transcript NM_001375524.1 (MANE Select); 5 bases into the intron before coding-DNA position 9023, T replaced by G.
Molecular consequence: intron variant.
Genome position (GRCh38, 1-based): chr7:98,984,088, T>G. VCF-style: chr7-98984088-T-G. GRCh37 (hg19) VCF-style: chr7-98581711-T-G.
Other names: c.9035-5T>G (NM_001244580.2); c.8948-5T>G (NM_003496.4).
Identifiers: ClinVar variation 2745077 (VCV002745077.3), dbSNP rs1793052915, ClinGen allele CA2697557450.